The following is an entry in ClinVar:

NM_014915.3(ANKRD26):c.371A>G (p.Gln124Arg)

Gene: ANKRD26 (ankyrin repeat domain 26; minus strand). Cytogenetic location: 10p12.1.
Variant type: single nucleotide variant.
Coding change: c.371A>G on transcript NM_014915.3 (MANE Select); coding-DNA position 371, A replaced by G.
Protein change: p.Gln124Arg; replaces glutamine 124 with arginine.
Molecular consequence: missense variant.
Genome position (GRCh38, 1-based): chr10:27,093,509, T>C on the plus strand (A>G on the coding strand, the complement: ANKRD26 is on the minus strand). VCF-style: chr10-27093509-T-C. GRCh37 (hg19) VCF-style: chr10-27382438-T-C.
Other names: c.371A>G, p.Gln124Arg (NM_001256053.2); short protein forms Q124R.
Identifiers: ClinVar variation 1193641 (VCV001193641.8), dbSNP rs200100926, ClinGen allele CA5448959.

ClinVar aggregate classification (germline): Uncertain significance. Review status: criteria provided, multiple submitters, no conflicts (2 of 4 stars). 2 submissions from 2 submitters: Uncertain significance (2). Last evaluated 2025-11-09.

gnomAD v4.1: 63 of 1,614,064 alleles (0.0039%); highest among the groups gnomAD compares: Middle Eastern, 0.12%; 1 homozygote.

Submissions (2):

Labcorp Genetics (formerly Invitae), Labcorp
Classification: Uncertain significance. Last evaluated: 2025-11-09. Review status: criteria provided, single submitter. Criteria: Invitae Variant Classification Sherloc (09022015). Collection method: clinical testing. Allele origin: germline.
Comment: This sequence change replaces glutamine, which is neutral and polar, with arginine, which is basic and polar, at codon 124 of the ANKRD26 protein (p.Gln124Arg). This variant is present in population databases (rs200100926, gnomAD 0.01%), including at least one homozygous and/or hemizygous individual. This variant has not been reported in the literature in individuals affected with ANKRD26-related conditions. ClinVar contains an entry for this variant (Variation ID: 1193641). An algorithm developed to predict the effect of missense changes on protein structure and function (PolyPhen-2) suggests that this variant is likely to be tolerated. In summary, the available evidence is currently insufficient to determine the role of this variant in disease. Therefore, it has been classified as a Variant of Uncertain Significance.

GeneDx
Classification: Uncertain significance. Last evaluated: 2022-12-29. Review status: criteria provided, single submitter. Criteria: GeneDx Variant Classification Process June 2021. Collection method: clinical testing. Allele origin: germline. Affected: yes.
Comment: In silico analysis supports that this missense variant has a deleterious effect on protein structure/function; Has not been previously published as pathogenic or benign to our knowledge